The following is an entry in ClinVar:

NM_198271.5(LMOD3):c.366del (p.Lys122fs)

Gene: LMOD3 (leiomodin 3; minus strand). Cytogenetic location: 3p14.1.
Variant type: Deletion.
Coding change: c.366del on transcript NM_198271.5 (MANE Select); coding-DNA position 366, one base deleted (G; older notation c.366delG).
Protein change: p.Lys122fs; shifts the reading frame from lysine 122.
Molecular consequence: frameshift variant.
Genome position (GRCh38, 1-based): chr3:69,119,989, C deleted on the plus strand (G on the coding strand, the reverse complement: LMOD3 is on the minus strand). VCF-style (leftmost placement, unchanged base first): chr3-69119988-GC-G. GRCh37 (hg19) VCF-style: chr3-69169139-GC-G.
Other names: c.366delG (NM_198271.5, NM_198271.4); c.366del, p.Lys122fs (NM_001304418.3); short protein forms K122fs.
Identifiers: ClinVar variation 692210 (VCV000692210.5), dbSNP rs1368453406, ClinGen allele CA909808789.

ClinVar aggregate classification (germline): Pathogenic. Review status: criteria provided, multiple submitters, no conflicts (2 of 4 stars). 3 submissions from 3 submitters: Pathogenic (2). 1 of the submissions does not count toward it. Last evaluated 2025-08-25.

Conditions:
Nemaline myopathy 10 (NEM10). Identifiers: MedGen C4015360, MONDO:0014513, OMIM 616165.

Allele frequency attached by ClinVar (database versions not stated): gnomAD exomes 0.00001; TOPMed 0.00001.

Submissions (3):

First Genomix Gene Laboratory, Genetic Diagnostics Department
Classification: Pathogenic for Nemaline myopathy 10. Last evaluated: 2025-08-25. Review status: criteria provided, single submitter. Criteria: ACMG Guidelines, 2015. Collection method: clinical testing. Allele origin: germline. Inheritance: Autosomal recessive inheritance. Affected: no. Observed: 1 variant allele.

Labcorp Genetics (formerly Invitae), Labcorp
Classification: Pathogenic for Nemaline myopathy 10. Last evaluated: 2025-08-18. Review status: criteria provided, single submitter. Criteria: Invitae Variant Classification Sherloc (09022015). Collection method: clinical testing. Allele origin: germline.
Comment: This sequence change creates a premature translational stop signal (p.Lys122Asnfs*6) in the LMOD3 gene. It is expected to result in an absent or disrupted protein product. Loss-of-function variants in LMOD3 are known to be pathogenic (PMID: 25250574). This variant is not present in population databases (gnomAD no frequency). This premature translational stop signal has been observed in individual(s) with nemaline myopathy (PMID: 32008911). ClinVar contains an entry for this variant (Variation ID: 692210). For these reasons, this variant has been classified as Pathogenic.

Biochimie Génétique et moléculaire, CHUGA
Classification: Likely pathogenic for Nemaline myopathy 10. Last evaluated: 2019-07-05. Review status: no assertion criteria provided. Collection method: research. Allele origin: inherited. Inheritance: Autosomal recessive inheritance. Affected: yes. Observed: 1 compound heterozygote. Not counted in ClinVar's aggregate classification.

Literature cited by the submitters: PubMed 25250574 (cited by Labcorp Genetics (formerly Invitae), Labcorp); PubMed 32008911 (cited by Labcorp Genetics (formerly Invitae), Labcorp).